The following is an entry in ClinVar:

NM_032638.5(GATA2):c.1209G>C (p.Lys403Asn)

Gene: GATA2 (GATA binding protein 2; minus strand). Cytogenetic location: 3q21.3.
Variant type: single nucleotide variant.
Coding change: c.1209G>C on transcript NM_032638.5 (MANE Select); coding-DNA position 1209, G replaced by C.
Protein change: p.Lys403Asn; replaces lysine 403 with asparagine.
Molecular consequence: missense variant.
Genome position (GRCh38, 1-based): chr3:128,481,253, C>G on the plus strand (G>C on the coding strand, the complement: GATA2 is on the minus strand). VCF-style: chr3-128481253-C-G. GRCh37 (hg19) VCF-style: chr3-128200096-C-G.
Other names: c.1209G>C, p.Lys403Asn (NM_001145661.2); c.1167G>C, p.Lys389Asn (NM_001145662.1); short protein forms K389N, K403N.
Identifiers: ClinVar variation 4842559 (VCV004842559.1).
Genomic context (GRCh38, chr3:128,481,253, plus strand): 5'-CTCCTGCATGCACTTTGACAGCTCCTCGAAGCACTCCGCCCCTTTCTTGCTCTTCTTGGA[C>G]TTGTTGGACATCTTCCGGTTCCGAGTCTGGATCCCTTCCTTCTTCATGGTCAGTGGCCTG-3'
Protein context (NP_116027.2, residues 393-413): IQTRNRKMSN[Lys403Asn]SKKSKKGAEC

ClinVar aggregate classification (germline): Uncertain significance (1 of 4 stars; one submission).

Conditions:
Inborn genetic diseases. Identifiers: MedGen C0950123, MeSH D030342.

Submission:

Ambry Genetics
Classification: Uncertain significance for Inborn genetic diseases. Last evaluated: 2025-12-18. Review status: criteria provided, single submitter. Criteria: Ambry Variant Classification Scheme 2023. Collection method: clinical testing. Allele origin: germline.
Comment: The p.K403N variant (also known as c.1209G>C), located in coding exon 5 of the GATA2 gene, results from a G to C substitution at nucleotide position 1209. The lysine at codon 403 is replaced by asparagine, an amino acid with similar properties. This amino acid position is conserved. In addition, the in silico prediction for this alteration is inconclusive. Based on the available evidence, the clinical significance of this variant remains unclear.